The following is an entry in ClinVar:

NM_025137.4(SPG11):c.2984_2985del (p.Tyr995fs)

Gene: SPG11 (SPG11 vesicle trafficking associated, spatacsin; minus strand). Cytogenetic location: 15q21.1.
Variant type: Deletion.
Coding change: c.2984_2985del on transcript NM_025137.4 (MANE Select); coding-DNA positions 2984 to 2985, 2 bases deleted (AT; older notation c.2984_2985delAT).
Protein change: p.Tyr995fs; shifts the reading frame from tyrosine 995.
Molecular consequence: frameshift variant.
Genome position (GRCh38, 1-based): chr15:44,615,416-44,615,417, AT deleted on the plus strand (AT on the coding strand, the reverse complement: SPG11 is on the minus strand); deleting any 2 consecutive bases within chr15:44,615,416-44,615,418 gives the same sequence; the c. name uses the placement nearest the transcript's 3' end. VCF-style (leftmost placement, unchanged base first): chr15-44615415-AAT-A. GRCh37 (hg19) VCF-style: chr15-44907613-AAT-A.
Other names: c.2984_2985del, p.Tyr995fs (NM_001160227.2, NM_001411132.1); short protein forms Y995fs.
Identifiers: ClinVar variation 3577164 (VCV003577164.3).
Genomic context (GRCh38, chr15:44,615,415, plus strand): 5'-GTACTCACTTGTAACAGTCAAGGTAGACATAAAGAAGATGCTGCAGACTGTGCTCCAAAC[AAT>A]AGAGAATGAATTGAGAATGGAAATCCCAACCTTCTTTGGTCTTGTAGTTTTGAACAGGGA-3'

ClinVar aggregate classification (germline): Pathogenic/Likely pathogenic. Review status: criteria provided, multiple submitters, no conflicts (2 of 4 stars). 2 submissions from 2 submitters: Pathogenic (1); Likely pathogenic (1). Last evaluated 2024-01-24.

Conditions:
Hereditary spastic paraplegia 11. Also called: Spastic paraplegia, mental retardation and thin corpus callosum; SPASTIC PARAPLEGIA, AUTOSOMAL RECESSIVE, COMPLICATED, WITH THIN CORPUS CALLOSUM; SPASTIC PARAPLEGIA, AUTOSOMAL RECESSIVE, WITH MENTAL IMPAIRMENT AND THIN CORPUS CALLOSUM; Spastic Paraplegia 11; Nakamura Osame syndrome; Autosomal recessive hereditary spastic paraplegia, mental impairment, and thin corpus callosum. Identifiers: Orphanet 2822, MedGen C1858479, MONDO:0011445, OMIM 604360.
Charcot-Marie-Tooth disease axonal type 2X. Also called: CHARCOT-MARIE-TOOTH DISEASE, AXONAL, AUTOSOMAL RECESSIVE, TYPE 2X; CHARCOT-MARIE-TOOTH NEUROPATHY, TYPE 2X. Identifiers: Orphanet 466775, MedGen C5569024, MONDO:0014726, OMIM 616668.
Amyotrophic lateral sclerosis type 5 (ALS5). Also called: AMYOTROPHIC LATERAL SCLEROSIS 5, JUVENILE. Identifiers: Orphanet 300605, MedGen C1865864, MONDO:0011196, OMIM 602099.

Submissions (2):

Fulgent Genetics
Classification: Likely pathogenic for Amyotrophic lateral sclerosis type 5; Hereditary spastic paraplegia 11; Charcot-Marie-Tooth disease axonal type 2X. Last evaluated: 2024-01-24. Review status: criteria provided, single submitter. Criteria: ACMG Guidelines, 2015. Collection method: clinical testing. Allele origin: germline.

Juno Genomics, Hangzhou Juno Genomics, Inc
Classification: Pathogenic for Amyotrophic lateral sclerosis type 5; Charcot-Marie-Tooth disease axonal type 2X; Hereditary spastic paraplegia 11. Review status: criteria provided, single submitter. Criteria: ACMG Guidelines, 2015. Collection method: clinical testing. Allele origin: germline.
Comment: Absent from controls (or at extremely low frequency if recessive) in Genome Aggregation Database.;Null variant in a gene where loss of function (LOF) is a known mechanism of disease.;For recessive disorders, detected in trans with a pathogenic variant.